The following is an entry in ClinVar:

NM_014140.4(SMARCAL1):c.1147+2T>G

Gene: SMARCAL1 (SNF2 related chromatin remodeling annealing helicase 1; plus strand). Cytogenetic location: 2q35.
Variant type: single nucleotide variant.
Coding change: c.1147+2T>G on transcript NM_014140.4 (MANE Select); the canonical splice donor site of the intron after coding-DNA position 1147, T replaced by G.
Molecular consequence: splice donor variant.
Genome position (GRCh38, 1-based): chr2:216,423,685, T>G. VCF-style: chr2-216423685-T-G. GRCh37 (hg19) VCF-style: chr2-217288408-T-G.
Other names: c.1147+2T>G (NM_001127207.2).
Identifiers: ClinVar variation 2052441 (VCV002052441.4), dbSNP rs2469625449, ClinGen allele CA350499117.

ClinVar aggregate classification (germline): Likely pathogenic (1 of 4 stars; one submission).

Conditions:
Schimke immuno-osseous dysplasia (SIOD). Also called: Schimke Immunoosseous Dysplasia. Identifiers: Orphanet 1830, MedGen C0877024, MONDO:0009458, OMIM 242900.

Submission:

Labcorp Genetics (formerly Invitae), Labcorp
Classification: Likely pathogenic for Schimke immuno-osseous dysplasia. Last evaluated: 2021-12-22. Review status: criteria provided, single submitter. Criteria: Invitae Variant Classification Sherloc (09022015). Collection method: clinical testing. Allele origin: germline.
Comment: In summary, the currently available evidence indicates that the variant is pathogenic, but additional data are needed to prove that conclusively. Therefore, this variant has been classified as Likely Pathogenic. Algorithms developed to predict the effect of sequence changes on RNA splicing suggest that this variant may disrupt the consensus splice site. This variant has not been reported in the literature in individuals affected with SMARCAL1-related conditions. This variant is not present in population databases (gnomAD no frequency). This sequence change affects a donor splice site in intron 6 of the SMARCAL1 gene. It is expected to disrupt RNA splicing. Variants that disrupt the donor or acceptor splice site typically lead to a loss of protein function (PMID: 16199547), and loss-of-function variants in SMARCAL1 are known to be pathogenic (PMID: 11799392, 20301550).

Literature cited by the submitters: PubMed 16199547; PubMed 11799392; PubMed 20301550.